The following is an entry in ClinVar:

ClinVar aggregate classification (germline): Uncertain significance (1 of 4 stars; one submission).

Allele frequency attached by ClinVar (database versions not stated): gnomAD exomes below 0.00001.
gnomAD v4.1: 1 of 1,605,872 alleles (0.000062%); highest among the groups gnomAD compares: Non-Finnish European, 0.000085%; no homozygotes.

Submission:

Labcorp Genetics (formerly Invitae), Labcorp
Classification: Uncertain significance. Last evaluated: 2019-12-27. Review status: criteria provided, single submitter. Criteria: Invitae Variant Classification Sherloc (09022015). Collection method: clinical testing. Allele origin: germline.
Comment: This variant is not present in population databases (ExAC no frequency). This sequence change replaces threonine with alanine at codon 1713 of the POLE protein (p.Thr1713Ala). The threonine residue is weakly conserved and there is a small physicochemical difference between threonine and alanine. This variant has not been reported in the literature in individuals with POLE-related conditions. In summary, the available evidence is currently insufficient to determine the role of this variant in disease. Therefore, it has been classified as a Variant of Uncertain Significance. Algorithms developed to predict the effect of missense changes on protein structure and function output the following: SIFT: "Tolerated"; PolyPhen-2: "Benign"; Align-GVGD: "Class C0". The alanine amino acid residue is found in multiple mammalian species, suggesting that this missense change does not adversely affect protein function. These predictions have not been confirmed by published functional studies and their clinical significance is uncertain.

NM_006231.4(POLE):c.5137A>G (p.Thr1713Ala)

Gene: POLE (DNA polymerase epsilon, catalytic subunit; minus strand). Cytogenetic location: 12q24.33.
Variant type: single nucleotide variant.
Coding change: c.5137A>G on transcript NM_006231.4 (MANE Select); coding-DNA position 5137, A replaced by G.
Protein change: p.Thr1713Ala; replaces threonine 1713 with alanine.
Molecular consequence: missense variant.
Genome position (GRCh38, 1-based): chr12:132,642,213, T>C on the plus strand (A>G on the coding strand, the complement: POLE is on the minus strand). VCF-style: chr12-132642213-T-C. GRCh37 (hg19) VCF-style: chr12-133218799-T-C.
Other names: short protein forms T1713A.
Identifiers: ClinVar variation 838565 (VCV000838565.10), dbSNP rs2042160893, ClinGen allele CA387376749.